The following is an entry in ClinVar:

ClinVar aggregate classification (germline): Likely benign. Review status: criteria provided, multiple submitters, no conflicts (2 of 4 stars). 3 submissions from 3 submitters: Likely benign (2). 1 of the submissions does not count toward it. Last evaluated 2026-01-07.

Conditions:
TUBGCP6-related disorder. Also called: TUBGCP6-related condition.

Allele frequency attached by ClinVar (database versions not stated): gnomAD exomes 0.00004 and 0.00006; ESP Exome Variant Server 0.00008; ExAC 0.00010; TOPMed 0.00031; gnomAD 0.00033 and 0.00034.
gnomAD v4.1: 111 of 1,571,138 alleles (0.0071%); highest among the groups gnomAD compares: African/African-American, 0.091%; no homozygotes.

Submissions (3):

Labcorp Genetics (formerly Invitae), Labcorp
Classification: Likely benign. Last evaluated: 2026-01-07. Review status: criteria provided, single submitter. Criteria: Invitae Variant Classification Sherloc (09022015). Collection method: clinical testing. Allele origin: germline.

Blueprint Genetics
Classification: Likely benign. Last evaluated: 2023-08-04. Review status: criteria provided, single submitter. Criteria: ACMG Guidelines, 2015. Collection method: clinical testing. Allele origin: germline.

PreventionGenetics, part of Exact Sciences
Classification: Likely benign for TUBGCP6-related condition. Last evaluated: 2019-03-20. Review status: no assertion criteria provided. Collection method: clinical testing. Allele origin: germline. Not counted in ClinVar's aggregate classification.
Comment: This variant is classified as likely benign based on ACMG/AMP sequence variant interpretation guidelines (Richards et al. 2015 PMID: 25741868, with internal and published modifications).

NM_020461.4(TUBGCP6):c.4365C>T (p.Phe1455=)

Gene: TUBGCP6 (tubulin gamma complex component 6; minus strand). Cytogenetic location: 22q13.33.
Variant type: single nucleotide variant.
Coding change: c.4365C>T on transcript NM_020461.4 (MANE Select); coding-DNA position 4365, C replaced by T.
Protein change: p.Phe1455=; no amino-acid change (phenylalanine 1455 retained).
Molecular consequence: synonymous variant.
Genome position (GRCh38, 1-based): chr22:50,219,407, G>A on the plus strand (C>T on the coding strand, the complement: TUBGCP6 is on the minus strand). VCF-style: chr22-50219407-G-A. GRCh37 (hg19) VCF-style: chr22-50657836-G-A.
Other names: c.4365C>T (NM_020461.3).
Identifiers: ClinVar variation 1133272 (VCV001133272.12), dbSNP rs369253656, ClinGen allele CA10307531.